The following is an entry in ClinVar:

ClinVar aggregate classification (germline): Uncertain significance. Review status: criteria provided, single submitter (1 of 4 stars). 2 submissions from 2 submitters: Uncertain significance (1). 1 of the submissions does not count toward it. Last evaluated 2022-02-24.

Conditions:
Retinitis pigmentosa 25 (RP25). Identifiers: Orphanet 791, MedGen C1864446, MONDO:0011272, OMIM 602772.

Allele frequency attached by ClinVar (database versions not stated): gnomAD exomes 0.00001.
gnomAD v4.1: 21 of 1,549,682 alleles (0.0014%); highest among the groups gnomAD compares: Middle Eastern, 0.033%; 1 homozygote.

Submissions (2):

Labcorp Genetics (formerly Invitae), Labcorp
Classification: Uncertain significance. Last evaluated: 2022-02-24. Review status: criteria provided, single submitter. Criteria: Invitae Variant Classification Sherloc (09022015). Collection method: clinical testing. Allele origin: germline.
Comment: This sequence change replaces leucine, which is neutral and non-polar, with proline, which is neutral and non-polar, at codon 2310 of the EYS protein (p.Leu2310Pro). This variant is present in population databases (no rsID available, gnomAD 0.004%). This variant has not been reported in the literature in individuals affected with EYS-related conditions. ClinVar contains an entry for this variant (Variation ID: 858346). Algorithms developed to predict the effect of missense changes on protein structure and function (SIFT, PolyPhen-2, Align-GVGD) all suggest that this variant is likely to be tolerated. In summary, the available evidence is currently insufficient to determine the role of this variant in disease. Therefore, it has been classified as a Variant of Uncertain Significance.

Natera, Inc.
Classification: Uncertain significance for Retinitis pigmentosa type 25. Last evaluated: 2020-10-05. Review status: no assertion criteria provided. Collection method: clinical testing. Allele origin: germline. Not counted in ClinVar's aggregate classification.

NM_001142800.2(EYS):c.6929T>C (p.Leu2310Pro)

Gene: EYS (eyes shut homolog; minus strand). Cytogenetic location: 6q12.
Variant type: single nucleotide variant.
Coding change: c.6929T>C on transcript NM_001142800.2 (MANE Select); coding-DNA position 6929, T replaced by C.
Protein change: p.Leu2310Pro; replaces leucine 2310 with proline.
Molecular consequence: missense variant.
Genome position (GRCh38, 1-based): chr6:63,984,509, A>G on the plus strand (T>C on the coding strand, the complement: EYS is on the minus strand). VCF-style: chr6-63984509-A-G. GRCh37 (hg19) VCF-style: chr6-64694402-A-G.
Other names: c.6929T>C, p.Leu2310Pro (NM_001292009.2); short protein forms L2310P.
Identifiers: ClinVar variation 858346 (VCV000858346.4), dbSNP rs1253820214, ClinGen allele CA364388738.
Genomic context (GRCh38, chr6:63,984,509, plus strand): 5'-TTCTTTCCATGTCGTGCTTCATCGATGATGAAGAATTCTTTGTTGTTTACTTGAAGGTCT[A>G]GAATGCAGCCCCTGAACCCATAAACAGGACCTGCTTTCTTATGAATTTGAACATTTGCAG-3'
Protein context (NP_001136272.1, residues 2300-2320): GPVYGFRGCI[Leu2310Pro]DLQVNNKEFF